The following is an entry in ClinVar:

ClinVar aggregate classification (germline): Benign. Review status: criteria provided, multiple submitters, no conflicts (2 of 4 stars). 11 submissions from 10 submitters: Benign (11). Last evaluated 2026-02-03.

Conditions:
Ehlers-Danlos syndrome, classic type, 1 (EDSCL1). Also called: Ehlers-Danlos syndrome, type 1; Ehlers-Danlos Syndrome, Classic Type, COL5A1-Related; EDS I; EHLERS-DANLOS SYNDROME, GRAVIS TYPE; EHLERS-DANLOS SYNDROME, SEVERE CLASSIC TYPE. Identifiers: MedGen C0268335, MONDO:0019567, OMIM 130000.
Fibromuscular dysplasia, multifocal. Identifiers: MedGen C5543412, MONDO:0859151, OMIM 619329.
Ehlers-Danlos syndrome, classic type (cEDS). Identifiers: Orphanet 287, MedGen C4225429, MONDO:0007522.
Familial thoracic aortic aneurysm and aortic dissection (TAAD). Also called: Thoracic aortic aneurysms and dissections. Identifiers: Orphanet 91387, MedGen C4707243, MONDO:0019625.

Allele frequency attached by ClinVar (database versions not stated): gnomAD exomes 0.00546 and 0.01489; ExAC 0.01825; gnomAD 0.05733 and 0.06122; TOPMed 0.06450; ESP Exome Variant Server 0.06974; 1000 Genomes Project 0.07009; 1000 Genomes Project 30x 0.07448.
gnomAD v4.1: 17,064 of 1,613,988 alleles (1.1%); highest among the groups gnomAD compares: African/African-American, 20%; 1,593 homozygotes.

Submissions (13):

Labcorp Genetics (formerly Invitae), Labcorp
Classification: Benign for Ehlers-Danlos syndrome, classic type, 1. Last evaluated: 2026-02-03. Review status: criteria provided, single submitter. Criteria: Invitae Variant Classification Sherloc (09022015). Collection method: clinical testing. Allele origin: germline.

Molecular Diagnostic Laboratory for Inherited Cardiovascular Disease, Montreal Heart Institute
Classification: Benign. Last evaluated: 2025-04-09. Review status: criteria provided, single submitter. Criteria: ACMG Guidelines, 2015. Collection method: clinical testing. Allele origin: germline. Affected: no.

Genome-Nilou Lab
Classification: Benign for Ehlers-Danlos syndrome, classic type, 1. Last evaluated: 2022-03-15. Review status: criteria provided, single submitter. Criteria: ACMG Guidelines, 2015. Collection method: clinical testing. Allele origin: germline. Affected: no.

Genome-Nilou Lab
Classification: Benign for Fibromuscular dysplasia, multifocal. Last evaluated: 2022-03-15. Review status: criteria provided, single submitter. Criteria: ACMG Guidelines, 2015. Collection method: clinical testing. Allele origin: germline. Affected: no.

Illumina Laboratory Services, Illumina
Classification: Benign for Ehlers-Danlos syndrome, classic type, 1. Last evaluated: 2018-01-12. Review status: criteria provided, single submitter. Criteria: ICSL Variant Classification Criteria 13 December 2019. Collection method: clinical testing. Allele origin: germline.
Comment: This variant was observed in the ICSL laboratory as part of a predisposition screen in an ostensibly healthy population. It had not been previously curated by ICSL or reported in the Human Gene Mutation Database (HGMD: prior to June 1st, 2018), and was therefore a candidate for classification through an automated scoring system. Utilizing variant allele frequency, disease prevalence and penetrance estimates, and inheritance mode, an automated score was calculated to assess if this variant is too frequent to cause the disease. Based on the score and internal cut-off values, a variant classified as benign is not then subjected to further curation. The score for this variant resulted in a classification of benign for this disease.

Mayo Clinic Laboratories, Mayo Clinic
Classification: Benign. Last evaluated: 2018-01-02. Review status: criteria provided, single submitter. Criteria: ACMG Guidelines, 2015. Collection method: clinical testing. Allele origin: germline. Observed: 89 variant alleles.

Women's Health and Genetics/Laboratory Corporation of America, LabCorp
Classification: Benign. Last evaluated: 2017-03-15. Review status: criteria provided, single submitter. Criteria: LabCorp Variant Classification Summary - May 2015. Collection method: clinical testing. Allele origin: germline.
Comment: Variant summary: The COL5A1 c.1431G>A (p.Ala477Ala) variant involves the alteration of a nucleotide, resulting in a synonymous change. 5/5 splice prediction tools predict weakening the canonical donor site, however no functional studies confirming effect of this variant on splicing have been published at the time of evaluation. This variant was found in 2210/121094 control chromosomes (208 homozygotes) at a frequency of 0.0182503, which is approximately 14600 times the estimated maximal expected allele frequency of a pathogenic COL5A1 variant (0.0000013), suggesting this variant is likely a benign polymorphism. In addition, multiple clinical diagnostic laboratories/reputable databases classified this variant as benign. Taken together, this variant is classified as benign.

Ambry Genetics
Classification: Benign for Familial thoracic aortic aneurysm and aortic dissection. Last evaluated: 2015-04-02. Review status: criteria provided, single submitter. Criteria: Ambry Variant Classification Scheme 2023. Collection method: clinical testing. Allele origin: germline.

GeneDx
Classification: Benign. Last evaluated: 2013-03-21. Review status: criteria provided, single submitter. Criteria: GeneDx Variant Classification (06012015). Collection method: clinical testing. Allele origin: germline. Affected: yes.
Comment: This variant is considered likely benign or benign based on one or more of the following criteria: it is a conservative change, it occurs at a poorly conserved position in the protein, it is predicted to be benign by multiple in silico algorithms, and/or has population frequency not consistent with disease.

Breakthrough Genomics
Classification: Benign. Review status: criteria provided, single submitter. Criteria: ACMG Guidelines, 2015. Collection method: not provided. Allele origin: germline. Inheritance: Autosomal dominant inheritance. Affected: yes.

PreventionGenetics, part of Exact Sciences
Classification: Benign. Review status: criteria provided, single submitter. Criteria: ACMG Guidelines, 2015. Collection method: clinical testing. Allele origin: germline.

Dr. Peter K. Rogan Lab, Western University
No classification provided (evidence only). Condition: Lung cancer. Review status: no classification provided. Collection method: in vitro. Allele origin: not applicable. Functional consequence: retained intron. Not counted in ClinVar's aggregate classification.

Dr. Peter K. Rogan Lab, Western University
No classification provided (evidence only). Condition: Cervical cancer. Review status: no classification provided. Collection method: in vitro. Allele origin: not applicable. Functional consequence: retained intron. Not counted in ClinVar's aggregate classification.

NM_000093.5(COL5A1):c.1431G>A (p.Ala477=)

Gene: COL5A1 (collagen type V alpha 1 chain; plus strand). Cytogenetic location: 9q34.3.
Variant type: single nucleotide variant.
Coding change: c.1431G>A on transcript NM_000093.5 (MANE Select); coding-DNA position 1431, G replaced by A.
Protein change: p.Ala477=; no amino-acid change (alanine 477 retained).
Molecular consequence: synonymous variant.
Genome position (GRCh38, 1-based): chr9:134,738,515, G>A. VCF-style: chr9-134738515-G-A. GRCh37 (hg19) VCF-style: chr9-137630361-G-A.
Other names: p.A477A:GCG>GCA; p.Ala477=; c.1431G>A, p.Ala477= (NM_001278074.1).
Identifiers: ClinVar variation 136930 (VCV000136930.26), dbSNP rs61729545, ClinGen allele CA290356.